The following is an entry in ClinVar:

NM_001160372.4(TRAPPC9):c.2632C>G (p.Leu878Val)

Gene: TRAPPC9 (trafficking protein particle complex subunit 9; minus strand). Cytogenetic location: 8q24.3.
Variant type: single nucleotide variant.
Coding change: c.2632C>G on transcript NM_001160372.4 (MANE Select); coding-DNA position 2632, C replaced by G.
Protein change: p.Leu878Val; replaces leucine 878 with valine.
Molecular consequence: missense variant. On other transcripts: non-coding transcript variant (1).
Genome position (GRCh38, 1-based): chr8:140,024,004, G>C on the plus strand (C>G on the coding strand, the complement: TRAPPC9 is on the minus strand). VCF-style: chr8-140024004-G-C. GRCh37 (hg19) VCF-style: chr8-141034101-G-C.
Other names: c.2605C>G, p.Leu869Val (NM_001321646.2); c.2653C>G, p.Leu885Val (NM_001374682.1); c.2632C>G, p.Leu878Val (NM_001374683.1, NM_031466.8); c.2488C>G, p.Leu830Val (NM_001374684.1); short protein forms L830V, L869V, L878V, L885V.
Identifiers: ClinVar variation 1442054 (VCV001442054.6), dbSNP rs560367397, ClinGen allele CA4893020.

ClinVar aggregate classification (germline): Uncertain significance (1 of 4 stars; one submission).

Allele frequency attached by ClinVar (database versions not stated): gnomAD 0.00001; gnomAD exomes 0.00001; TOPMed 0.00001; ExAC 0.00002; 1000 Genomes Project 30x 0.00016; 1000 Genomes Project 0.00020.
gnomAD v4.1: 12 of 1,614,170 alleles (0.00074%); highest among the groups gnomAD compares: Admixed American, 0.0017%; no homozygotes.

Submission:

Labcorp Genetics (formerly Invitae), Labcorp
Classification: Uncertain significance. Last evaluated: 2021-11-15. Review status: criteria provided, single submitter. Criteria: Invitae Variant Classification Sherloc (09022015). Collection method: clinical testing. Allele origin: germline.
Comment: This variant is present in population databases (rs560367397, gnomAD 0.002%). This sequence change replaces leucine, which is neutral and non-polar, with valine, which is neutral and non-polar, at codon 976 of the TRAPPC9 protein (p.Leu976Val). This missense change has been observed in individual(s) with TRAPPC9-related conditions (Invitae). Algorithms developed to predict the effect of missense changes on protein structure and function are either unavailable or do not agree on the potential impact of this missense change (SIFT: "Not Available"; PolyPhen-2: "Probably Damaging"; Align-GVGD: "Not Available"). In summary, the available evidence is currently insufficient to determine the role of this variant in disease. Therefore, it has been classified as a Variant of Uncertain Significance.